The following is an entry in ClinVar:

NM_000632.4(ITGAM):c.294C>A (p.Ser98Arg)

Genes: ITGAM (integrin subunit alpha M; plus strand), LOC126862331 (P300/CBP strongly-dependent group 1 enhancer GRCh37_chr16:31276375-31277574; plus strand). Cytogenetic location: 16p11.2.
Variant type: single nucleotide variant.
Coding change: c.294C>A on transcript NM_000632.4 (MANE Select); coding-DNA position 294, C replaced by A.
Protein change: p.Ser98Arg; replaces serine 98 with arginine.
Molecular consequence: missense variant.
Genome position (GRCh38, 1-based): chr16:31,265,866, C>A. VCF-style: chr16-31265866-C-A. GRCh37 (hg19) VCF-style: chr16-31277187-C-A.
Other names: c.294C>A (NM_000632.3); c.294C>A, p.Ser98Arg (NM_001145808.2); short protein forms S98R.
Identifiers: ClinVar variation 1407789 (VCV001407789.13), dbSNP rs377027681, ClinGen allele CA8025182.
Genomic context (GRCh38, chr16:31,265,866, plus strand): 5'-CGCAGTCCCCGTGGAGGCCGTGAACATGTCCCTGGGCCTGTCCCTGGCAGCCACCACCAG[C>A]CCCCCTCAGCTGCTGGTGAGTGGGGCTCGATCAGAGGAGCATCCTAATGGGGGTGTTTGG-3'
Protein context (NP_000623.2, residues 88-108): SLGLSLAATT[Ser98Arg]PPQLLACGPT

ClinVar aggregate classification (germline): Uncertain significance. Review status: criteria provided, multiple submitters, no conflicts (2 of 4 stars). 2 submissions from 2 submitters: Uncertain significance (2). Last evaluated 2025-09-24.

gnomAD v4.1: 40 of 1,613,600 alleles (0.0025%); highest among the groups gnomAD compares: Non-Finnish European, 0.0031%; no homozygotes.

Submissions (2):

Ambry Genetics
Classification: Uncertain significance. Last evaluated: 2025-09-24. Review status: criteria provided, single submitter. Criteria: Ambry Variant Classification Scheme 2023. Collection method: clinical testing. Allele origin: germline.

Labcorp Genetics (formerly Invitae), Labcorp
Classification: Uncertain significance. Last evaluated: 2025-08-27. Review status: criteria provided, single submitter. Criteria: Invitae Variant Classification Sherloc (09022015). Collection method: clinical testing. Allele origin: germline.
Comment: This sequence change replaces serine, which is neutral and polar, with arginine, which is basic and polar, at codon 98 of the ITGAM protein (p.Ser98Arg). This variant is present in population databases (rs377027681, gnomAD 0.004%). This variant has not been reported in the literature in individuals affected with ITGAM-related conditions. ClinVar contains an entry for this variant (Variation ID: 1407789). An algorithm developed to predict the effect of missense changes on protein structure and function outputs the following: PolyPhen-2: "Benign". The arginine amino acid residue is found in multiple mammalian species, which suggests that this missense change does not adversely affect protein function. In summary, the available evidence is currently insufficient to determine the role of this variant in disease. Therefore, it has been classified as a Variant of Uncertain Significance.